The following is an entry in ClinVar:

ClinVar aggregate classification (germline): Likely benign (0 of 4 stars; one submission).

Conditions:
BAAT-related disorder. Also called: BAAT-related condition.

Allele frequency attached by ClinVar (database versions not stated): gnomAD exomes below 0.00001; TOPMed below 0.00001.
gnomAD v4.1: 2 of 1,614,020 alleles (0.00012%); highest among the groups gnomAD compares: South Asian, 0.0011%; no homozygotes.

Submission:

PreventionGenetics, part of Exact Sciences
Classification: Likely benign for BAAT-related condition. Last evaluated: 2022-08-03. Review status: no assertion criteria provided. Collection method: clinical testing. Allele origin: germline.
Comment: This variant is classified as likely benign based on ACMG/AMP sequence variant interpretation guidelines (Richards et al. 2015 PMID: 25741868, with internal and published modifications).

NM_001701.4(BAAT):c.564C>G (p.Ser188=)

Gene: BAAT (bile acid-CoA:amino acid N-acyltransferase; minus strand). Cytogenetic location: 9q31.1.
Variant type: single nucleotide variant.
Coding change: c.564C>G on transcript NM_001701.4 (MANE Select); coding-DNA position 564, C replaced by G.
Protein change: p.Ser188=; no amino-acid change (serine 188 retained).
Molecular consequence: synonymous variant.
Genome position (GRCh38, 1-based): chr9:101,368,225, G>C on the plus strand (C>G on the coding strand, the complement: BAAT is on the minus strand). VCF-style: chr9-101368225-G-C. GRCh37 (hg19) VCF-style: chr9-104130507-G-C.
Other names: c.564C>G, p.Ser188= (NM_001127610.2, NM_001374715.1).
Identifiers: ClinVar variation 3053191 (VCV003053191.2), dbSNP rs1164013317, ClinGen allele CA466457275.